The following is an entry in ClinVar:

NM_198334.3(GANAB):c.490C>G (p.Arg164Gly)

Gene: GANAB (glucosidase II alpha subunit; minus strand). Cytogenetic location: 11q12.3.
Variant type: single nucleotide variant.
Coding change: c.490C>G on transcript NM_198334.3 (MANE Select); coding-DNA position 490, C replaced by G.
Protein change: p.Arg164Gly; replaces arginine 164 with glycine.
Molecular consequence: missense variant. On other transcripts: 5 prime UTR variant (2).
Genome position (GRCh38, 1-based): chr11:62,634,891, G>C on the plus strand (C>G on the coding strand, the complement: GANAB is on the minus strand). VCF-style: chr11-62634891-G-C. GRCh37 (hg19) VCF-style: chr11-62402363-G-C.
Other names: c.148C>G, p.Arg50Gly (NM_001278192.2, NM_001278193.2); c.199C>G, p.Arg67Gly (NM_001278194.2, NM_001329222.2, NM_001329223.2); c.-287C>G (NM_001329224.2, NM_001329225.2); c.490C>G, p.Arg164Gly (NM_198335.4); c.490C>G (NM_198335.2); short protein forms R164G, R50G, R67G.
Identifiers: ClinVar variation 2136127 (VCV002136127.2), dbSNP rs754785664, ClinGen allele CA380995859.

ClinVar aggregate classification (germline): Uncertain significance. Review status: criteria provided, multiple submitters, no conflicts (2 of 4 stars). 2 submissions from 2 submitters: Uncertain significance (2). Last evaluated 2025-09-04.

Conditions:
Inborn genetic diseases. Identifiers: MedGen C0950123, MeSH D030342.

Submissions (2):

Ambry Genetics
Classification: Uncertain significance for Inborn genetic diseases. Last evaluated: 2025-09-04. Review status: criteria provided, single submitter. Criteria: Ambry Variant Classification Scheme 2023. Collection method: clinical testing. Allele origin: germline.

GeneDx
Classification: Uncertain significance. Last evaluated: 2022-07-21. Review status: criteria provided, single submitter. Criteria: GeneDx Variant Classification Process June 2021. Collection method: clinical testing. Allele origin: germline. Affected: yes.
Comment: Not observed at significant frequency in large population cohorts (gnomAD); In silico analysis supports that this missense variant does not alter protein structure/function; Has not been previously published as pathogenic or benign to our knowledge